The following is an entry in ClinVar:

NM_001348716.2(KDM6B):c.2305AAG[1] (p.Lys770del)

Gene: KDM6B (lysine demethylase 6B; plus strand). Cytogenetic location: 17p13.1.
Variant type: Microsatellite.
Coding change: c.2305AAG[1] on transcript NM_001348716.2 (MANE Select); one copy of the 3-base unit AAG starting at c.2305; the reference has two copies in a row; one copy, 3 bases deleted; also written c.2308_2310del.
Protein change: p.Lys770del; deletes lysine 770.
Molecular consequence: inframe deletion.
Genome position (GRCh38, 1-based): chr17:7,848,596-7,848,598, AAG deleted; deleting any 3 consecutive bases within chr17:7,848,591-7,848,598 gives the same sequence; the position shown is the placement nearest the transcript's 3' end. VCF-style (leftmost placement, unchanged base first): chr17-7848590-GAGA-G. GRCh37 (hg19) VCF-style: chr17-7751908-GAGA-G.
Other names: c.2305AAG[1], p.Lys770del (NM_001080424.2); c.2308_2310del (NM_001348716.2); short protein forms K770del.
Identifiers: ClinVar variation 5005838 (VCV005005838.2).

ClinVar aggregate classification (germline): Uncertain significance (1 of 4 stars; one submission).

Conditions:
Neurodevelopmental disorder with coarse facies and mild distal skeletal abnormalities. Also called: STOLERMAN NEURODEVELOPMENTAL SYNDROME. Identifiers: MedGen C5193134, MONDO:0032790, OMIM 618505.

Submission:

Juno Genomics, Hangzhou Juno Genomics, Inc
Classification: Uncertain significance for Neurodevelopmental disorder with coarse facies and mild distal skeletal abnormalities. Review status: criteria provided, single submitter. Criteria: ACMG Guidelines, 2015. Collection method: clinical testing. Allele origin: germline.
Comment: Protein length changes due to in-frame deletions/insertions in a non-repeat region or stop-loss variants.;Absent from controls (or at extremely low frequency if recessive) in Genome Aggregation Database.